The following is an entry in ClinVar:

NM_004100.5(EYA4):c.371-6T>A

Gene: EYA4 (EYA transcriptional coactivator and phosphatase 4; plus strand). Cytogenetic location: 6q23.2.
Variant type: single nucleotide variant.
Coding change: c.371-6T>A on transcript NM_004100.5 (MANE Select); 6 bases into the intron before coding-DNA position 371, T replaced by A.
Molecular consequence: intron variant.
Genome position (GRCh38, 1-based): chr6:133,461,108, T>A. VCF-style: chr6-133461108-T-A. GRCh37 (hg19) VCF-style: chr6-133782246-T-A.
Other names: c.302-6T>A (NM_001370458.1, NM_172103.4); c.209-6T>A (NM_001370459.1, NM_001301012.2); c.371-6T>A (NM_001301013.2, NM_172105.4).
Identifiers: ClinVar variation 3657652 (VCV003657652.2).

ClinVar aggregate classification (germline): Uncertain significance (1 of 4 stars; one submission).

Conditions:
Dilated cardiomyopathy 1J (CMD1J). Also called: CARDIOMYOPATHY, DILATED, WITH SENSORINEURAL HEARING LOSS, AUTOSOMAL DOMINANT. Identifiers: Orphanet 217622, MedGen C1854368, MONDO:0011541, OMIM 605362.

Submission:

Labcorp Genetics (formerly Invitae), Labcorp
Classification: Uncertain significance for Dilated cardiomyopathy 1J. Last evaluated: 2024-06-17. Review status: criteria provided, single submitter. Criteria: Invitae Variant Classification Sherloc (09022015). Collection method: clinical testing. Allele origin: germline.
Comment: This sequence change falls in intron 6 of the EYA4 gene. It does not directly change the encoded amino acid sequence of the EYA4 protein. This variant is not present in population databases (gnomAD no frequency). This variant has not been reported in the literature in individuals affected with EYA4-related conditions. Algorithms developed to predict the effect of sequence changes on RNA splicing suggest that this variant may disrupt the consensus splice site. In summary, the available evidence is currently insufficient to determine the role of this variant in disease. Therefore, it has been classified as a Variant of Uncertain Significance.